The following is an entry in ClinVar:

ClinVar aggregate classification (germline): Uncertain significance (1 of 4 stars; one submission).

gnomAD v4.1: 1 of 1,612,710 alleles (0.000062%); highest among the groups gnomAD compares: Non-Finnish European, 0.000085%; no homozygotes.

Submission:

Labcorp Genetics (formerly Invitae), Labcorp
Classification: Uncertain significance. Last evaluated: 2025-07-01. Review status: criteria provided, single submitter. Criteria: Invitae Variant Classification Sherloc (09022015). Collection method: clinical testing. Allele origin: germline.
Comment: This sequence change replaces arginine, which is basic and polar, with glycine, which is neutral and non-polar, at codon 907 of the PPP1R12A protein (p.Arg907Gly). This variant is not present in population databases (gnomAD no frequency). This variant has not been reported in the literature in individuals affected with PPP1R12A-related conditions. An algorithm developed to predict the effect of missense changes on protein structure and function (PolyPhen-2) suggests that this variant is likely to be disruptive. In summary, the available evidence is currently insufficient to determine the role of this variant in disease. Therefore, it has been classified as a Variant of Uncertain Significance.

NM_002480.3(PPP1R12A):c.2719C>G (p.Arg907Gly)

Gene: PPP1R12A (protein phosphatase 1 regulatory subunit 12A; minus strand). Cytogenetic location: 12q21.2.
Variant type: single nucleotide variant.
Coding change: c.2719C>G on transcript NM_002480.3 (MANE Select); coding-DNA position 2719, C replaced by G.
Protein change: p.Arg907Gly; replaces arginine 907 with glycine.
Molecular consequence: missense variant.
Genome position (GRCh38, 1-based): chr12:79,788,731, G>C on the plus strand (C>G on the coding strand, the complement: PPP1R12A is on the minus strand). VCF-style: chr12-79788731-G-C. GRCh37 (hg19) VCF-style: chr12-80182511-G-C.
Other names: c.2719C>G, p.Arg907Gly (NM_001143885.2, NM_001244990.2); c.2458C>G, p.Arg820Gly (NM_001143886.2); c.2551C>G, p.Arg851Gly (NM_001244992.1); short protein forms R820G, R851G, R907G.
Identifiers: ClinVar variation 4763562 (VCV004763562.1).